The following is an entry in ClinVar:

NM_001002294.3(FMO3):c.1171C>T (p.Gln391Ter)

Gene: FMO3 (flavin containing dimethylaniline monoxygenase 3; plus strand). Cytogenetic location: 1q24.3.
Variant type: single nucleotide variant.
Coding change: c.1171C>T on transcript NM_001002294.3 (MANE Select); coding-DNA position 1171, C replaced by T.
Protein change: p.Gln391Ter; replaces glutamine 391 with a stop codon.
Molecular consequence: nonsense.
Genome position (GRCh38, 1-based): chr1:171,114,350, C>T. VCF-style: chr1-171114350-C-T. GRCh37 (hg19) VCF-style: chr1-171083490-C-T.
Other names: c.1111C>T, p.Gln371Ter (NM_001319173.2); c.982C>T, p.Gln328Ter (NM_001319174.2); c.1171C>T, p.Gln391Ter (NM_006894.6); short protein forms Q328*, Q371*, Q391*.
Identifiers: ClinVar variation 5013175 (VCV005013175.1).
Genomic context (GRCh38, chr1:171,114,350, plus strand): 5'-TTTGTCCAGTCCCTTGGGGCTGCCATTCCCACAGTTGACCTCCAGTCCCGCTGGGCAGCA[C>T]AAGTAATAAAGGGTAAGTCAATAAAGAGGCTCATGGATTGCGAAGATGAATGCCAGTGAC-3'

ClinVar aggregate classification (germline): Pathogenic (1 of 4 stars; one submission).

Conditions:
Trimethylaminuria (TMAU). Also called: FISH-ODOR SYNDROME; Fish malodor syndrome; Stale fish syndrome; TMAuria; Primary Trimethylaminuria. Identifiers: MedGen C0342739, MONDO:0011182, OMIM 602079, HP:0003614. Disease mechanism: loss of function.

gnomAD v4.1: 4 of 1,612,232 alleles (0.00025%); highest among the groups gnomAD compares: Non-Finnish European, 0.00034%; no homozygotes.

Submission:

Myriad Genetics, Inc.
Classification: Pathogenic for Trimethylaminuria. Last evaluated: 2024-06-13. Review status: criteria provided, single submitter. Criteria: Myriad Autosomal Dominant, Autosomal Recessive and X-Linked Classification Criteria (2023). Collection method: clinical testing. Allele origin: unknown.
Comment: NM_001002294.2(FMO3):c.1171C>T(Q391*) is expected to be pathogenic in the context of primary trimethylaminuria. This variant is predicted to lead to an abnormal or absent protein product due to the creation of a premature termination codon in FMO3, a gene where loss-of-function variants are known to be pathogenic. Please note: this variant was assessed in the context of healthy population screening.